The following is an entry in ClinVar:

NM_017777.4(MKS1):c.516-26A>T

Gene: MKS1 (MKS transition zone complex subunit 1; minus strand). Cytogenetic location: 17q22.
Variant type: single nucleotide variant.
Coding change: c.516-26A>T on transcript NM_017777.4 (MANE Select); 26 bases into the intron before coding-DNA position 516, A replaced by T.
Molecular consequence: intron variant.
Genome position (GRCh38, 1-based): chr17:58,214,413, T>A on the plus strand (A>T on the coding strand, the complement: MKS1 is on the minus strand). VCF-style: chr17-58214413-T-A. GRCh37 (hg19) VCF-style: chr17-56291774-T-A.
Other names: p.?; c.-94-26A>T (NM_001321268.2); c.516-26A>T (NM_001330397.2, NM_001321269.2, NM_001411113.1).
Identifiers: ClinVar variation 4684240 (VCV004684240.1).

ClinVar aggregate classification (germline): Likely benign (1 of 4 stars; one submission).

gnomAD v4.1: 4 of 1,612,236 alleles (0.00025%); highest among the groups gnomAD compares: Admixed American, 0.0033%; no homozygotes.

Submission:

Mayo Clinic Laboratories, Mayo Clinic
Classification: Likely benign. Last evaluated: 2025-10-28. Review status: criteria provided, single submitter. Criteria: ACMG Guidelines, 2015. Collection method: clinical testing. Allele origin: germline. Observed: 1 variant allele.
Comment: BP4, BP7, PM2_supporting